The following is an entry in ClinVar:

NM_001040142.2(SCN2A):c.3870T>A (p.Thr1290=)

Gene: SCN2A (sodium voltage-gated channel alpha subunit 2; plus strand). Cytogenetic location: 2q24.3.
Variant type: single nucleotide variant.
Coding change: c.3870T>A on transcript NM_001040142.2 (MANE Select); coding-DNA position 3870, T replaced by A.
Protein change: p.Thr1290=; no amino-acid change (threonine 1290 retained).
Molecular consequence: synonymous variant.
Genome position (GRCh38, 1-based): chr2:165,373,245, T>A. VCF-style: chr2-165373245-T-A. GRCh37 (hg19) VCF-style: chr2-166229755-T-A.
Other names: c.3870T>A, p.Thr1290= (NM_001040143.2, NM_001371246.1, NM_001371247.1 and 1 more transcripts).
Identifiers: ClinVar variation 1336510 (VCV001336510.21), dbSNP rs1225687118, ClinGen allele CA429886444.
Genomic context (GRCh38, chr2:165,373,245, plus strand): 5'-TATATGTAAATAAGAAAATTGTGTTGCTTTTTCTGTATAGGTCTCACTGGTTAGCTTAAC[T>A]GCAAATGCCTTGGGTTACTCAGAACTTGGTGCCATCAAATCCCTCAGAACACTAAGAGCT-3'
Protein context (NP_001035232.1, residues 1280-1300): LIVDVSLVSL[Thr1290=]ANALGYSELG

ClinVar aggregate classification (germline): Conflicting classifications of pathogenicity. Review status: criteria provided, conflicting classifications (1 of 4 stars). 4 submissions from 4 submitters: Uncertain significance (1); Likely benign (3). Last evaluated 2025-09-14.

Conditions:
Inborn genetic diseases. Identifiers: MedGen C0950123, MeSH D030342.
Seizures, benign familial infantile, 3 (BFIS3). Also called: Familial neonatal seizures; CONVULSIONS, BENIGN FAMILIAL INFANTILE, 3. Identifiers: Orphanet 140927, Orphanet 306, MedGen C1843140, MONDO:0011904, OMIM 607745.
Developmental and epileptic encephalopathy, 11 (DEE11). Also called: Early infantile epileptic encephalopathy 11. Identifiers: Orphanet 1934, MedGen C3150987, MONDO:0013388, OMIM 613721.

Allele frequency attached by ClinVar (database versions not stated): gnomAD 0.00001; TOPMed 0.00001.
gnomAD v4.1: 2 of 1,613,350 alleles (0.00012%); highest among the groups gnomAD compares: African/African-American, 0.0027%; no homozygotes.

Submissions (4):

Labcorp Genetics (formerly Invitae), Labcorp
Classification: Likely benign for Seizures, benign familial infantile, 3; Developmental and epileptic encephalopathy, 11. Last evaluated: 2025-09-14. Review status: criteria provided, single submitter. Criteria: Invitae Variant Classification Sherloc (09022015). Collection method: clinical testing. Allele origin: germline.

CeGaT Center for Human Genetics Tuebingen
Classification: Likely benign. Last evaluated: 2025-06-01. Review status: criteria provided, single submitter. Criteria: CeGaT Center For Human Genetics Tuebingen Variant Classification Criteria Version 2. Collection method: clinical testing. Allele origin: germline. Affected: yes. Observed: 1 variant allele.
Comment: SCN2A: BP4, BP7

Genetic Services Laboratory, University of Chicago
Classification: Uncertain significance. Last evaluated: 2018-02-10. Review status: criteria provided, single submitter. Criteria: ACMG Guidelines, 2015. Collection method: clinical testing. Allele origin: germline. Affected: no.

Ambry Genetics
Classification: Likely benign for Inborn genetic diseases. Last evaluated: 2017-11-10. Review status: criteria provided, single submitter. Criteria: Ambry Variant Classification Scheme 2023. Collection method: clinical testing. Allele origin: germline.